The following is an entry in ClinVar:

ClinVar aggregate classification (germline): Uncertain significance (1 of 4 stars; one submission).

Conditions:
Osteogenesis imperfecta type I (OI1). Also called: OI, TYPE I; OSTEOGENESIS IMPERFECTA TARDA; OSTEOGENESIS IMPERFECTA WITH BLUE SCLERAE; Lobstein's Disease; Classic Non-deforming Osteogenesis Imperfecta with Blue Sclerae; Lobstein disease. Identifiers: Orphanet 216796, Orphanet 666, MedGen C0023931, MONDO:0008146, OMIM 166200. Disease mechanism: loss of function.
Ehlers-Danlos syndrome, classic type, 1 (EDSCL1). Also called: Ehlers-Danlos Syndrome, Classic Type, COL5A1-Related; EDS I; Ehlers-Danlos syndrome, type 1; EHLERS-DANLOS SYNDROME, GRAVIS TYPE; EHLERS-DANLOS SYNDROME, SEVERE CLASSIC TYPE. Identifiers: MedGen C0268335, MONDO:0019567, OMIM 130000.

Allele frequency attached by ClinVar (database versions not stated): ExAC 0.00001; gnomAD exomes below 0.00001.
gnomAD v4.1: 1 of 1,614,124 alleles (0.000062%); highest among the groups gnomAD compares: Admixed American, 0.0017%; no homozygotes.

Submission:

Labcorp Genetics (formerly Invitae), Labcorp
Classification: Uncertain significance for Osteogenesis imperfecta type I; Ehlers-Danlos syndrome, classic type, 1. Last evaluated: 2017-10-05. Review status: criteria provided, single submitter. Criteria: Invitae Variant Classification Sherloc (09022015). Collection method: clinical testing. Allele origin: germline.
Comment: In summary, the available evidence is currently insufficient to determine the role of this variant in disease. Therefore, it has been classified as a Variant of Uncertain Significance. This variant has not been reported in the literature in individuals with COL1A2-related disease. This variant is present in population databases (rs754575611, ExAC 0.009%). This sequence change replaces aspartic acid with glycine at codon 1189 of the COL1A2 protein (p.Asp1189Gly). The aspartic acid residue is highly conserved and there is a moderate physicochemical difference between aspartic acid and glycine.

NM_000089.4(COL1A2):c.3566A>G (p.Asp1189Gly)

Gene: COL1A2 (collagen type I alpha 2 chain; plus strand). Cytogenetic location: 7q21.3.
Variant type: single nucleotide variant.
Coding change: c.3566A>G on transcript NM_000089.4 (MANE Select); coding-DNA position 3566, A replaced by G.
Protein change: p.Asp1189Gly; replaces aspartic acid 1189 with glycine.
Molecular consequence: missense variant.
Genome position (GRCh38, 1-based): chr7:94,428,332, A>G. VCF-style: chr7-94428332-A-G. GRCh37 (hg19) VCF-style: chr7-94057644-A-G.
Other names: short protein forms D1189G.
Identifiers: ClinVar variation 526893 (VCV000526893.10), dbSNP rs754575611, ClinGen allele CA4347791.